The following is an entry in ClinVar:

ClinVar aggregate classification (germline): Uncertain significance. Review status: criteria provided, multiple submitters, no conflicts (2 of 4 stars). 2 submissions from 2 submitters: Uncertain significance (2). Last evaluated 2025-08-01.

Submissions (2):

CeGaT Center for Human Genetics Tuebingen
Classification: Uncertain significance. Last evaluated: 2025-08-01. Review status: criteria provided, single submitter. Criteria: CeGaT Center For Human Genetics Tuebingen Variant Classification Criteria Version 2. Collection method: clinical testing. Allele origin: germline. Affected: yes. Observed: 4 variant alleles.
Comment: PRKN: PM2, PM4:Supporting

Labcorp Genetics (formerly Invitae), Labcorp
Classification: Uncertain significance. Last evaluated: 2024-01-09. Review status: criteria provided, single submitter. Criteria: Invitae Variant Classification Sherloc (09022015). Collection method: clinical testing. Allele origin: germline.
Comment: This variant, c.397_399dup, results in the insertion of 1 amino acid(s) of the PRKN protein (p.Pro133dup), but otherwise preserves the integrity of the reading frame. This variant is present in population databases (rs747624684, gnomAD 0.007%). This variant has been observed in individual(s) with Parkinson disease (PMID: 19636047, 33845304). Experimental studies and prediction algorithms are not available or were not evaluated, and the functional significance of this variant is currently unknown. In summary, the available evidence is currently insufficient to determine the role of this variant in disease. Therefore, it has been classified as a Variant of Uncertain Significance.

Literature cited by the submitters: PubMed 19636047 (cited by Labcorp Genetics (formerly Invitae), Labcorp); PubMed 33845304 (cited by Labcorp Genetics (formerly Invitae), Labcorp).

NM_004562.3(PRKN):c.394CCA[3] (p.Pro133dup)

Gene: PRKN (parkin RBR E3 ubiquitin protein ligase; minus strand). Cytogenetic location: 6q26.
Variant type: Microsatellite.
Coding change: c.394CCA[3] on transcript NM_004562.3 (MANE Select); three copies in a row of the 3-base unit CCA starting at c.394; the reference has two copies in a row; one copy, 3 bases duplicated.
Protein change: p.Pro133dup; duplicates proline 133.
Molecular consequence: inframe insertion. On other transcripts: intron variant (1).
Genome position (GRCh38, 1-based): chr6:162,262,538-162,262,540, TGG duplicated on the plus strand (CCA on the coding strand, the reverse complement: PRKN is on the minus strand); duplicating any 3 consecutive bases within chr6:162,262,538-162,262,545 gives the same sequence; the position shown is the placement nearest the transcript's 3' end. VCF-style (leftmost placement, unchanged base first): chr6-162262537-C-CTGG. GRCh37 (hg19) VCF-style: chr6-162683569-C-CTGG.
Other names: c.394CCA[3], p.Pro133dup (NM_013987.3); c.171+180767CCA[3] (NM_013988.3).
Identifiers: ClinVar variation 810039 (VCV000810039.44), dbSNP rs747624684, ClinGen allele CA4090406.